The following is an entry in ClinVar:

NM_000088.4(COL1A1):c.1478G>A (p.Arg493His)

Gene: COL1A1 (collagen type I alpha 1 chain; minus strand). Cytogenetic location: 17q21.33.
Variant type: single nucleotide variant.
Coding change: c.1478G>A on transcript NM_000088.4 (MANE Select); coding-DNA position 1478, G replaced by A.
Protein change: p.Arg493His; replaces arginine 493 with histidine.
Molecular consequence: missense variant.
Genome position (GRCh38, 1-based): chr17:50,194,610, C>T on the plus strand (G>A on the coding strand, the complement: COL1A1 is on the minus strand). VCF-style: chr17-50194610-C-T. GRCh37 (hg19) VCF-style: chr17-48271971-C-T.
Other names: short protein forms R493H.
Identifiers: ClinVar variation 1939795 (VCV001939795.6), dbSNP rs867732977, ClinGen allele CA400217457.

ClinVar aggregate classification (germline): Uncertain significance. Review status: criteria provided, multiple submitters, no conflicts (2 of 4 stars). 2 submissions from 2 submitters: Uncertain significance (2). Last evaluated 2026-01-27.

Conditions:
Osteogenesis imperfecta type I (OI1). Also called: Lobstein's Disease; Lobstein disease; OI, TYPE I; OSTEOGENESIS IMPERFECTA TARDA; OSTEOGENESIS IMPERFECTA WITH BLUE SCLERAE; Osteogenesis imperfecta type 1. Identifiers: Orphanet 216796, Orphanet 666, MedGen C0023931, MONDO:0008146, OMIM 166200. Disease mechanism: loss of function.

Allele frequency attached by ClinVar (database versions not stated): gnomAD 0.00001; gnomAD exomes 0.00001; TOPMed 0.00001.
gnomAD v4.1: 18 of 1,568,366 alleles (0.0011%); highest among the groups gnomAD compares: Non-Finnish European, 0.0012%; no homozygotes.

Submissions (2):

Labcorp Genetics (formerly Invitae), Labcorp
Classification: Uncertain significance for Osteogenesis imperfecta type I. Last evaluated: 2026-01-27. Review status: criteria provided, single submitter. Criteria: Invitae Variant Classification Sherloc (09022015). Collection method: clinical testing. Allele origin: germline.
Comment: This sequence change replaces arginine, which is basic and polar, with histidine, which is basic and polar, at codon 493 of the COL1A1 protein (p.Arg493His). This variant is present in population databases (no rsID available, gnomAD 0.001%). This variant has not been reported in the literature in individuals affected with COL1A1-related conditions. ClinVar contains an entry for this variant (Variation ID: 1939795). Invitae Evidence Modeling of protein sequence and biophysical properties (such as structural, functional, and spatial information, amino acid conservation, physicochemical variation, residue mobility, and thermodynamic stability) indicates that this missense variant is expected to disrupt COL1A1 protein function with a positive predictive value of 95%. In summary, the available evidence is currently insufficient to determine the role of this variant in disease. Therefore, it has been classified as a Variant of Uncertain Significance.

Blueprint Genetics
Classification: Uncertain significance. Last evaluated: 2020-12-30. Review status: criteria provided, single submitter. Criteria: ACMG Guidelines, 2015. Collection method: clinical testing. Allele origin: germline.